The following is an entry in ClinVar:

NM_213599.3(ANO5):c.2100dup (p.Asn701Ter)

Gene: ANO5 (anoctamin 5; plus strand). Cytogenetic location: 11p14.3.
Variant type: Duplication.
Coding change: c.2100dup on transcript NM_213599.3 (MANE Select); coding-DNA position 2100, one base duplicated (T; older notation c.2100dupT).
Protein change: p.Asn701Ter; replaces asparagine 701 with a stop codon.
Molecular consequence: nonsense.
Genome position (GRCh38, 1-based): chr11:22,272,854, T duplicated. VCF-style (leftmost placement, unchanged base first): chr11-22272853-A-AT. GRCh37 (hg19) VCF-style: chr11-22294399-A-AT.
Other names: c.2097dup, p.Asn700Ter (NM_001142649.2); c.2058dup, p.Asn687Ter (NM_001410963.1); c.2055dup, p.Asn686Ter (NM_001410964.1); c.2022dup, p.Asn675Ter (NM_001441294.1); c.2019dup, p.Asn674Ter (NM_001441295.1); c.2007dup, p.Asn670Ter (NM_001441296.1); c.1980dup, p.Asn661Ter (NM_001441297.1); c.1944dup, p.Asn649Ter (NM_001441298.1); and 4 more; short protein forms N649*, N674*, N539*, N648*, N675*, N701*, N555*, N556*.
Identifiers: ClinVar variation 4787054 (VCV004787054.1).

ClinVar aggregate classification (germline): Pathogenic (1 of 4 stars; one submission).

Conditions:
Gnathodiaphyseal dysplasia (GDD). Also called: GNATHODIAPHYSEAL SCLEROSIS; OSTEOGENESIS IMPERFECTA WITH UNUSUAL SKELETAL LESIONS. Identifiers: Orphanet 53697, MedGen C1833736, MONDO:0008151, OMIM 166260.
Autosomal recessive limb-girdle muscular dystrophy type 2L (LGMDR12). Also called: Limb-girdle muscular dystrophy, type 2L; MUSCULAR DYSTROPHY, LIMB-GIRDLE, AUTOSOMAL RECESSIVE 12; Limb-Girdle Muscular Dystrophy R12 Anoctamin-5-Related (LGMD-R12). Identifiers: Orphanet 206549, MedGen C1969785, MONDO:0012652, OMIM 611307.

Submission:

Labcorp Genetics (formerly Invitae), Labcorp
Classification: Pathogenic for Autosomal recessive limb-girdle muscular dystrophy type 2L; Gnathodiaphyseal dysplasia. Last evaluated: 2025-12-18. Review status: criteria provided, single submitter. Criteria: Invitae Variant Classification Sherloc (09022015). Collection method: clinical testing. Allele origin: germline.
Comment: This sequence change creates a premature translational stop signal (p.Asn701*) in the ANO5 gene. It is expected to result in an absent or disrupted protein product. Loss-of-function variants in ANO5 are known to be pathogenic (PMID: 21186264, 23606453, 25891276, 30919934). This variant is not present in population databases (gnomAD no frequency). This variant has not been reported in the literature in individuals affected with ANO5-related conditions. Algorithms developed to predict the effect of sequence changes on RNA splicing suggest that this variant may disrupt the consensus splice site. For these reasons, this variant has been classified as Pathogenic.

Literature cited by the submitters: PubMed 21186264; PubMed 23606453; PubMed 25891276; PubMed 30919934.